The following is an entry in ClinVar:

ClinVar aggregate classification (germline): Uncertain significance (1 of 4 stars; one submission).

Conditions:
Dyskeratosis congenita, autosomal recessive 6 (DKCB6). Identifiers: MedGen C4225356, MONDO:0014600, OMIM 616353.
Pulmonary fibrosis and/or bone marrow failure, Telomere-related, 4. Also called: PULMONARY FIBROSIS AND/OR BONE MARROW FAILURE SYNDROME, TELOMERE-RELATED, 4. Identifiers: Orphanet 2032, MedGen C4225347, MONDO:0014612, OMIM 616371.

Allele frequency attached by ClinVar (database versions not stated): gnomAD exomes below 0.00001; gnomAD 0.00001; TOPMed 0.00001.
gnomAD v4.1: 2 of 1,526,182 alleles (0.00013%); highest among the groups gnomAD compares: Non-Finnish European, 0.00018%; no homozygotes.

Submission:

Labcorp Genetics (formerly Invitae), Labcorp
Classification: Uncertain significance for Dyskeratosis congenita, autosomal recessive 6; Pulmonary fibrosis and/or bone marrow failure, Telomere-related, 4. Last evaluated: 2024-02-24. Review status: criteria provided, single submitter. Criteria: Invitae Variant Classification Sherloc (09022015). Collection method: clinical testing. Allele origin: germline.
Comment: This sequence change affects codon 207 of the PARN mRNA. It is a 'silent' change, meaning that it does not change the encoded amino acid sequence of the PARN protein. It affects a nucleotide within the consensus splice site. This variant is not present in population databases (gnomAD no frequency). This variant has not been reported in the literature in individuals affected with PARN-related conditions. ClinVar contains an entry for this variant (Variation ID: 1479455). Algorithms developed to predict the effect of sequence changes on RNA splicing suggest that this variant may disrupt the consensus splice site. In summary, the available evidence is currently insufficient to determine the role of this variant in disease. Therefore, it has been classified as a Variant of Uncertain Significance.

NM_002582.4(PARN):c.621G>T (p.Gly207=)

Gene: PARN (poly(A)-specific ribonuclease; minus strand). Cytogenetic location: 16p13.12.
Variant type: single nucleotide variant.
Coding change: c.621G>T on transcript NM_002582.4 (MANE Select); coding-DNA position 621, G replaced by T.
Protein change: p.Gly207=; no amino-acid change (glycine 207 retained).
Molecular consequence: synonymous variant.
Genome position (GRCh38, 1-based): chr16:14,608,319, C>A on the plus strand (G>T on the coding strand, the complement: PARN is on the minus strand). VCF-style: chr16-14608319-C-A. GRCh37 (hg19) VCF-style: chr16-14702176-C-A.
Other names: c.438G>T, p.Gly146= (NM_001134477.3); c.483G>T, p.Gly161= (NM_001242992.2).
Identifiers: ClinVar variation 1479455 (VCV001479455.8), dbSNP rs964560089, ClinGen allele CA278532486.